The following is an entry in ClinVar:

NM_020937.4(FANCM):c.2323T>A (p.Cys775Ser)

Gene: FANCM (FA complementation group M; plus strand). Cytogenetic location: 14q21.2.
Variant type: single nucleotide variant.
Coding change: c.2323T>A on transcript NM_020937.4 (MANE Select); coding-DNA position 2323, T replaced by A.
Protein change: p.Cys775Ser; replaces cysteine 775 with serine.
Molecular consequence: missense variant.
Genome position (GRCh38, 1-based): chr14:45,175,077, T>A. VCF-style: chr14-45175077-T-A. GRCh37 (hg19) VCF-style: chr14-45644280-T-A.
Other names: c.2245T>A, p.Cys749Ser (NM_001308133.2); short protein forms C749S, C775S.
Identifiers: ClinVar variation 2428484 (VCV002428484.6), dbSNP rs2503179834, ClinGen allele CA389597359.

ClinVar aggregate classification (germline): Uncertain significance (1 of 4 stars; one submission).

Conditions:
Fanconi anemia (FA). Also called: Fanconi's anemia. Identifiers: Orphanet 84, MedGen C0015625, MeSH D005199, MONDO:0019391.

Submission:

Labcorp Genetics (formerly Invitae), Labcorp
Classification: Uncertain significance for Fanconi anemia. Last evaluated: 2022-12-04. Review status: criteria provided, single submitter. Criteria: Invitae Variant Classification Sherloc (09022015). Collection method: clinical testing. Allele origin: germline.
Comment: In summary, the available evidence is currently insufficient to determine the role of this variant in disease. Therefore, it has been classified as a Variant of Uncertain Significance. Algorithms developed to predict the effect of missense changes on protein structure and function are either unavailable or do not agree on the potential impact of this missense change (SIFT: "Deleterious"; PolyPhen-2: "Benign"; Align-GVGD: "Class C0"). This variant is not present in population databases (gnomAD no frequency). This sequence change replaces cysteine, which is neutral and slightly polar, with serine, which is neutral and polar, at codon 775 of the FANCM protein (p.Cys775Ser). This variant has not been reported in the literature in individuals affected with FANCM-related conditions.